The following is an entry in ClinVar:

NM_001079802.2(FKTN):c.167G>A (p.Arg56His)

Gene: FKTN (fukutin; plus strand). Cytogenetic location: 9q31.2.
Variant type: single nucleotide variant.
Coding change: c.167G>A on transcript NM_001079802.2 (MANE Select); coding-DNA position 167, G replaced by A.
Protein change: p.Arg56His; replaces arginine 56 with histidine.
Molecular consequence: missense variant. On other transcripts: 5 prime UTR variant (4), non-coding transcript variant (2).
Genome position (GRCh38, 1-based): chr9:105,601,146, G>A. VCF-style: chr9-105601146-G-A. GRCh37 (hg19) VCF-style: chr9-108363427-G-A.
Other names: p.R56H:CGT>CAT; c.167G>A, p.Arg56His (NM_001198963.2, NM_001351496.2, NM_001351498.2 and 1 more transcripts); c.98G>A, p.Arg33His (NM_001351497.2); c.-348G>A (NM_001351499.2, NM_001351500.2, NM_001351501.2 and 1 more transcripts); short protein forms R56H, R33H.
Identifiers: ClinVar variation 93518 (VCV000093518.93), dbSNP rs146951171, ClinGen allele CA285426.

ClinVar aggregate classification (germline): Conflicting classifications of pathogenicity. Review status: criteria provided, conflicting classifications (1 of 4 stars). 18 submissions from 17 submitters: Uncertain significance (3); Benign (1); Likely benign (10). 4 of the submissions do not count toward it. Last evaluated 2026-09-01.

Conditions:
Walker-Warburg congenital muscular dystrophy. Also called: Muscular dystrophy-dystroglycanopathy, type A; Walker-Warburg syndrome. Identifiers: Orphanet 899, MedGen C0265221, MONDO:0000171.
FKTN-related disorder. Also called: FKTN-related disorders; FKTN-related condition.
Cardiovascular phenotype. Identifiers: MedGen CN230736.
Muscular dystrophy-dystroglycanopathy (congenital with brain and eye anomalies), type A, 4 (MDDGA4). Also called: Congenital muscular dystrophy-dystroglycanopathy with brain and eye anomalies, type A4; Walker-Warburg Syndrome, Fktn-Related; Muscular dystrophy, congenital progressive, with mental retardation; Muscular dystrophy, congenital, with central nervous system involvement; Cerebromuscular dystrophy, Fukuyama type; Fukuyama congenital muscular dystrophy. Identifiers: Orphanet 272, Orphanet 588, Orphanet 899, MedGen C0410174, MONDO:0009678, OMIM 253800.
Dilated cardiomyopathy 1X (CMD1X). Also called: FKTN-Related Dilated Cardiomyopathy; CARDIOMYOPATHY, DILATED, WITH MILD OR NO PROXIMAL MUSCLE WEAKNESS. Identifiers: Orphanet 154, MedGen C1969024, MONDO:0012704, OMIM 611615.
Hypertrophic cardiomyopathy. Also called: HYPERTROPHIC MYOCARDIOPATHY. Identifiers: Orphanet 217569, MedGen C0007194, MeSH D002312, MONDO:0005045, HP:0001639.

Allele frequency attached by ClinVar (database versions not stated): TOPMed 0.00193; 1000 Genomes Project 0.00240; gnomAD exomes 0.00053; gnomAD 0.00202 and 0.00218; ESP Exome Variant Server 0.00208; ExAC 0.00090; 1000 Genomes Project 30x 0.00234.
gnomAD v4.1: 565 of 1,566,964 alleles (0.036%); highest among the groups gnomAD compares: African/African-American, 0.66%; 5 homozygotes.

Submissions (18):

CeGaT Center for Human Genetics Tuebingen
Classification: Likely benign. Last evaluated: 2026-09-01. Review status: criteria provided, single submitter. Criteria: CeGaT Center For Human Genetics Tuebingen Variant Classification Criteria Version 2. Collection method: clinical testing. Allele origin: germline. Affected: yes. Observed: 2 variant alleles.
Comment: FKTN: BP4, BS1

Labcorp Genetics (formerly Invitae), Labcorp
Classification: Likely benign for Walker-Warburg congenital muscular dystrophy. Last evaluated: 2026-02-01. Review status: criteria provided, single submitter. Criteria: Invitae Variant Classification Sherloc (09022015). Collection method: clinical testing. Allele origin: germline.

Mayo Clinic Laboratories, Mayo Clinic
Classification: Likely benign. Last evaluated: 2025-11-22. Review status: criteria provided, single submitter. Criteria: ACMG Guidelines, 2015. Collection method: clinical testing. Allele origin: germline. Observed: 3 variant alleles.
Comment: BS1, BP4_moderate

Molecular Diagnostic Laboratory for Inherited Cardiovascular Disease, Montreal Heart Institute
Classification: Likely benign. Last evaluated: 2025-04-09. Review status: criteria provided, single submitter. Criteria: ACMG Guidelines, 2015. Collection method: clinical testing. Allele origin: germline. Affected: no.
Comment: BS1;BP4;BP6

ARUP Laboratories, Molecular Genetics and Genomics, ARUP Laboratories
Classification: Likely benign. Last evaluated: 2024-12-12. Review status: criteria provided, single submitter. Criteria: ARUP Molecular Germline Variant Investigation Process 2024. Collection method: clinical testing. Allele origin: germline.

Blueprint Genetics
Classification: Likely benign. Last evaluated: 2024-11-26. Review status: criteria provided, single submitter. Criteria: ACMG Guidelines, 2015. Collection method: clinical testing. Allele origin: germline.

GeneDx
Classification: Likely benign. Last evaluated: 2020-12-16. Review status: criteria provided, single submitter. Criteria: GeneDx Variant Classification Process June 2021. Collection method: clinical testing. Allele origin: germline. Affected: yes.

Women's Health and Genetics/Laboratory Corporation of America, LabCorp
Classification: Likely benign. Last evaluated: 2019-08-26. Review status: criteria provided, single submitter. Criteria: LabCorp Variant Classification Summary - May 2015. Collection method: clinical testing. Allele origin: germline.
Comment: Variant summary: FKTN c.167G>A (p.Arg56His) results in a non-conservative amino acid change in the encoded protein sequence. Three of five in-silico tools predict a benign effect of the variant on protein function. The variant allele was found at a frequency of 0.00053 in 245444 control chromosomes, predominantly at a frequency of 0.007 within the African or African-American subpopulation in the gnomAD database. The observed variant frequency within African or African-American control individuals in the gnomAD database is approximately 1.4 fold the estimated maximal expected allele frequency for a pathogenic variant in FKTN causing Cardiomyopathy phenotype (0.005), strongly suggesting that the variant is a benign polymorphism found primarily in populations of African or African-American origin. To our knowledge, there are no reports of c.167G>A in individuals affected with Cardiomyopathy and no experimental evidence demonstrating an impact on protein function in the literature. Six clinical diagnostic laboratories have submitted clinical-significance assessments for this variant to ClinVar (evaluation after 2014) and 5/6 laboratories cited the variant as likely benign. Based on the evidence outlined above, the variant was classified as likely benign.

Ambry Genetics
Classification: Likely benign for Cardiovascular phenotype. Last evaluated: 2019-04-03. Review status: criteria provided, single submitter. Criteria: Ambry Variant Classification Scheme 2023. Collection method: clinical testing. Allele origin: germline.

Illumina Laboratory Services, Illumina
Classification: Uncertain significance for Dilated cardiomyopathy 1X. Last evaluated: 2018-01-12. Review status: criteria provided, single submitter. Criteria: ICSL Variant Classification Criteria 13 December 2019. Collection method: clinical testing. Allele origin: germline.

Illumina Laboratory Services, Illumina
Classification: Uncertain significance for Muscular dystrophy-dystroglycanopathy (congenital with brain and eye anomalies), type A, 4. Last evaluated: 2018-01-12. Review status: criteria provided, single submitter. Criteria: ICSL Variant Classification Criteria 13 December 2019. Collection method: clinical testing. Allele origin: germline.

Center for Advanced Laboratory Medicine, UC San Diego Health, University of California San Diego
Classification: Benign for Hypertrophic cardiomyopathy. Last evaluated: 2017-02-22. Review status: criteria provided, single submitter. Criteria: ACMG Guidelines, 2015. Collection method: clinical testing. Allele origin: germline. Affected: yes. Observed: 1 variant allele.

Eurofins Ntd Llc (ga)
Classification: Likely benign. Last evaluated: 2016-02-16. Review status: criteria provided, single submitter. Criteria: EGL Classification Definitions 2015. Collection method: clinical testing. Allele origin: germline. Observed: 3 variant alleles, 3 heterozygotes.

Genetic Services Laboratory, University of Chicago
Classification: Uncertain significance. Last evaluated: 2014-02-03. Review status: criteria provided, single submitter. Criteria: ACMG Guidelines, 2007. Collection method: clinical testing. Allele origin: germline. Inheritance: Autosomal recessive inheritance.

Natera, Inc.
Classification: Benign for Walker-Warburg congenital muscular dystrophy. Last evaluated: 2019-10-21. Review status: no assertion criteria provided. Collection method: clinical testing. Allele origin: germline. Not counted in ClinVar's aggregate classification.

PreventionGenetics, part of Exact Sciences
Classification: Benign for FKTN-related condition. Last evaluated: 2019-08-12. Review status: no assertion criteria provided. Collection method: clinical testing. Allele origin: germline. Not counted in ClinVar's aggregate classification.
Comment: This variant is classified as benign based on ACMG/AMP sequence variant interpretation guidelines (Richards et al. 2015 PMID: 25741868, with internal and published modifications).

Clinical Genetics DNA and cytogenetics Diagnostics Lab, Erasmus MC, Erasmus Medical Center
Classification: Likely benign. Review status: no assertion criteria provided. Collection method: clinical testing. Allele origin: germline. Affected: yes. Study: VKGL Data-share Consensus. Not counted in ClinVar's aggregate classification.

Laboratory of Diagnostic Genome Analysis, Leiden University Medical Center (LUMC)
Classification: Likely benign. Review status: no assertion criteria provided. Collection method: clinical testing. Allele origin: germline. Affected: yes. Study: VKGL Data-share Consensus. Not counted in ClinVar's aggregate classification.

Literature cited by the submitters: PubMed 22037554 (cited by Women's Health and Genetics/Laboratory Corporation of America, LabCorp).